The following is an entry in ClinVar:

NM_000138.5(FBN1):c.8405G>A (p.Gly2802Asp)

Gene: FBN1 (fibrillin 1; minus strand). Cytogenetic location: 15q21.1.
Variant type: single nucleotide variant.
Coding change: c.8405G>A on transcript NM_000138.5 (MANE Select); coding-DNA position 8405, G replaced by A.
Protein change: p.Gly2802Asp; replaces glycine 2802 with aspartic acid.
Molecular consequence: missense variant.
Genome position (GRCh38, 1-based): chr15:48,411,201, C>T on the plus strand (G>A on the coding strand, the complement: FBN1 is on the minus strand). VCF-style: chr15-48411201-C-T. GRCh37 (hg19) VCF-style: chr15-48703398-C-T.
Other names: p.G2802D:GGC>GAC; short protein forms G2802D.
Identifiers: ClinVar variation 200130 (VCV000200130.23), dbSNP rs770484928, ClinGen allele CA017725.

ClinVar aggregate classification (germline): Uncertain significance. Review status: criteria provided, multiple submitters, no conflicts (2 of 4 stars). 4 submissions from 4 submitters: Uncertain significance (4). Last evaluated 2025-06-11.

Conditions:
Familial thoracic aortic aneurysm and aortic dissection (TAAD). Also called: Thoracic aortic aneurysms and dissections. Identifiers: Orphanet 91387, MedGen C4707243, MONDO:0019625.
Marfan syndrome (MFS). Also called: Marfan syndrome type 1; Marfan's syndrome; Marfan syndrome, classic; MARFAN SYNDROME, TYPE I; FBN1-Related Marfan Syndrome. Identifiers: Orphanet 284963, Orphanet 558, MedGen C0024796, MONDO:0007947, OMIM 154700.

Allele frequency attached by ClinVar (database versions not stated): gnomAD exomes below 0.00001.
gnomAD v4.1: 2 of 1,614,102 alleles (0.00012%); highest among the groups gnomAD compares: Non-Finnish European, 0.00017%; no homozygotes.

Submissions (4):

Labcorp Genetics (formerly Invitae), Labcorp
Classification: Uncertain significance for Marfan syndrome; Familial thoracic aortic aneurysm and aortic dissection. Last evaluated: 2025-06-11. Review status: criteria provided, single submitter. Criteria: Invitae Variant Classification Sherloc (09022015). Collection method: clinical testing. Allele origin: germline.
Comment: This sequence change replaces glycine, which is neutral and non-polar, with aspartic acid, which is acidic and polar, at codon 2802 of the FBN1 protein (p.Gly2802Asp). This variant is not present in population databases (gnomAD no frequency). This variant has not been reported in the literature in individuals affected with FBN1-related conditions. ClinVar contains an entry for this variant (Variation ID: 200130). Invitae Evidence Modeling of protein sequence and biophysical properties (such as structural, functional, and spatial information, amino acid conservation, physicochemical variation, residue mobility, and thermodynamic stability) indicates that this missense variant is expected to disrupt FBN1 protein function with a positive predictive value of 95%. In summary, the available evidence is currently insufficient to determine the role of this variant in disease. Therefore, it has been classified as a Variant of Uncertain Significance.

CeGaT Center for Human Genetics Tuebingen
Classification: Uncertain significance. Last evaluated: 2024-09-01. Review status: criteria provided, single submitter. Criteria: CeGaT Center For Human Genetics Tuebingen Variant Classification Criteria Version 2. Collection method: clinical testing. Allele origin: germline. Affected: yes. Observed: 1 variant allele.
Comment: FBN1: PM2, PM5

All of Us Research Program, National Institutes of Health
Classification: Uncertain significance for Marfan syndrome. Last evaluated: 2024-05-30. Review status: criteria provided, single submitter. Criteria: ACMG Guidelines, 2015. Collection method: clinical testing. Allele origin: germline. Inheritance: Autosomal dominant inheritance. Observed: 1 variant allele, 1 heterozygote.
Comment: This missense variant replaces glycine with aspartic acid at codon 2802 of the FBN1 protein. Computational prediction tools indicate that this variant has a deleterious impact on protein structure and function. To our knowledge, functional studies have not been reported for this variant. This variant has not been reported in individuals affected with FBN1-related disorders in the literature. This variant has not been identified in the general population by the Genome Aggregation Database (gnomAD). The available evidence is insufficient to determine the role of this variant in disease conclusively. Therefore, this variant is classified as a Variant of Uncertain Significance.

This study involves interpretation of variants in research participants for the purpose of population health screening. Participant phenotype was not available at the time of variant classification. Additional details can be found in publication PMID: 35346344, PMCID: PMC8962531

GeneDx
Classification: Uncertain significance. Last evaluated: 2021-02-23. Review status: criteria provided, single submitter. Criteria: GeneDx Variant Classification Process June 2021. Collection method: clinical testing. Allele origin: germline. Affected: yes.
Comment: Has not been previously published as pathogenic or benign to our knowledge; Not observed in large population cohorts (Lek et al., 2016); In silico analysis supports that this missense variant has a deleterious effect on protein structure/function; Does not affect a cysteine residue within a calcium-binding EGF-like domain of the FBN1 gene; cysteine substitutions in the calcium-binding EGF-like domains represent the majority of pathogenic missense changes associated with FBN1-related disorders (Collod-Beroud et al., 2003).